The following is an entry in ClinVar:

ClinVar aggregate classification (germline): Pathogenic. Review status: criteria provided, multiple submitters, no conflicts (2 of 4 stars). 7 submissions from 7 submitters: Pathogenic (7). Last evaluated 2026-01-27.

Conditions:
Hereditary cancer-predisposing syndrome. Also called: Tumor predisposition; Hereditary Cancer Syndrome; Hereditary neoplastic syndrome; Neoplastic Syndromes, Hereditary. Identifiers: Orphanet 140162, MedGen C0027672, MeSH D009386, MONDO:0015356.
BAP1-related tumor predisposition syndrome (TPDS1). Also called: Tumor susceptibility linked to germline BAP1 mutations; COMMON Syndrome; TUMOR PREDISPOSITION SYNDROME 1; BAP1 tumor predisposition syndrome. Identifiers: Orphanet 289539, MedGen C3280492, MONDO:0013692, OMIM 614327.

Allele frequency attached by ClinVar (database versions not stated): TOPMed below 0.00001.

Submissions (7):

Labcorp Genetics (formerly Invitae), Labcorp
Classification: Pathogenic for BAP1-related tumor predisposition syndrome. Last evaluated: 2026-01-27. Review status: criteria provided, single submitter. Criteria: Invitae Variant Classification Sherloc (09022015). Collection method: clinical testing. Allele origin: germline.
Comment: This sequence change creates a premature translational stop signal (p.Arg60*) in the BAP1 gene. It is expected to result in an absent or disrupted protein product. Loss-of-function variants in BAP1 are known to be pathogenic (PMID: 21874000, 23684012). This variant is not present in population databases (gnomAD no frequency). This premature translational stop signal has been observed in individuals with uveal/ocular melanoma and cutaneous melanoma (PMID: 22545102, 23849051, 25225168). It has also been observed to segregate with disease in related individuals. ClinVar contains an entry for this variant (Variation ID: 580226). For these reasons, this variant has been classified as Pathogenic.

Ambry Genetics
Classification: Pathogenic for Hereditary cancer-predisposing syndrome. Last evaluated: 2025-06-27. Review status: criteria provided, single submitter. Criteria: Ambry Variant Classification Scheme 2023. Collection method: clinical testing. Allele origin: germline.
Comment: The p.R60* pathogenic mutation (also known as c.178C>T), located in coding exon 4 of the BAP1 gene, results from a C to T substitution at nucleotide position 178. This changes the amino acid from an arginine to a stop codon within coding exon 4. This alteration has been detected in multiple individuals with a personal and/or family history of BAP1-related tumors (Wadt KA et al. Clin Genet, 2015 Sep;88:267-72; Walpole S et al. J Natl Cancer Inst, 2018 12;110:1328-1341; Hassan R et al. Proc Natl Acad Sci U S A, 2019 04;116:9008-9013). This variant is considered to be rare based on population cohorts in the Genome Aggregation Database (gnomAD). In addition to the clinical data presented in the literature, this alteration is expected to result in loss of function by premature protein truncation or nonsense-mediated mRNA decay. As such, this alteration is interpreted as a disease-causing mutation.

Center for Genomic Medicine, Rigshospitalet, Copenhagen University Hospital
Classification: Pathogenic. Last evaluated: 2025-03-04. Review status: criteria provided, single submitter. Criteria: ACMG Guidelines, 2015. Collection method: clinical testing. Allele origin: germline.

Department of Clinical Genetics, Copenhagen University Hospital, Rigshospitalet
Classification: Pathogenic for BAP1-related tumor predisposition syndrome. Last evaluated: 2025-01-10. Review status: criteria provided, single submitter. Criteria: ACMG Guidelines, 2015. Collection method: clinical testing. Allele origin: germline. Affected: yes.
Comment: The following ACMG criteria was used: PVS1; PS3; PM2_SUP; PP1; PS4

Myriad Genetics, Inc.
Classification: Pathogenic for BAP1-related tumor predisposition syndrome. Last evaluated: 2024-08-20. Review status: criteria provided, single submitter. Criteria: Myriad Autosomal Dominant, Autosomal Recessive and X-Linked Classification Criteria (2023). Collection method: clinical testing. Allele origin: unknown.
Comment: This variant is considered pathogenic. This variant creates a termination codon and is predicted to result in premature protein truncation.

CeGaT Center for Human Genetics Tuebingen
Classification: Pathogenic. Last evaluated: 2024-01-01. Review status: criteria provided, single submitter. Criteria: CeGaT Center For Human Genetics Tuebingen Variant Classification Criteria Version 2. Collection method: clinical testing. Allele origin: germline. Affected: yes. Observed: 1 variant allele.
Comment: BAP1: PVS1, PM2, PS4:Moderate

Genetic Services Laboratory, University of Chicago
Classification: Pathogenic. Last evaluated: 2021-07-21. Review status: criteria provided, single submitter. Criteria: ACMG Guidelines, 2015. Collection method: clinical testing. Allele origin: germline. Affected: yes.
Comment: DNA sequence analysis of the BAP1 gene demonstrated a sequence change, c.178C>T, which results in the creation of a premature stop codon at amino acid position 60, p.Arg60*. This pathogenic sequence change is predicted to result in an abnormal transcript, which may be degraded, or may lead to the production of a truncated BAP1 protein with potentially abnormal function. This pathogenic sequence change has previously been described in multiple individuals with a personal and family history of BAP1-related malignancies including cutaneous melanoma, uveal melanoma, and malignant mesothelioma (PMID: 25225168, 22545102, 30975761). This sequence change is absent from population databases including gnomAD.

Literature cited by the submitters: PubMed 21874000 (cited by Labcorp Genetics (formerly Invitae), Labcorp); PubMed 23684012 (cited by Labcorp Genetics (formerly Invitae), Labcorp); PubMed 22545102 (cited by Labcorp Genetics (formerly Invitae), Labcorp); PubMed 23849051 (cited by Labcorp Genetics (formerly Invitae), Labcorp); PubMed 25225168 (cited by 3 submitters); PubMed 30517737 (cited by Ambry Genetics); PubMed 30975761 (cited by Ambry Genetics); PubMed 22889334 (cited by Department of Clinical Genetics, Copenhagen University Hospital, Rigshospitalet); PubMed 38969833 (cited by Department of Clinical Genetics, Copenhagen University Hospital, Rigshospitalet).

NM_004656.4(BAP1):c.178C>T (p.Arg60Ter)

Gene: BAP1 (BRCA1 associated deubiquitinase 1; minus strand). Cytogenetic location: 3p21.1.
Variant type: single nucleotide variant.
Coding change: c.178C>T on transcript NM_004656.4 (MANE Select); coding-DNA position 178, C replaced by T.
Protein change: p.Arg60Ter; replaces arginine 60 with a stop codon.
Molecular consequence: nonsense.
Genome position (GRCh38, 1-based): chr3:52,408,551, G>A on the plus strand (C>T on the coding strand, the complement: BAP1 is on the minus strand). VCF-style: chr3-52408551-G-A. GRCh37 (hg19) VCF-style: chr3-52442567-G-A.
Other names: short protein forms R60*.
Identifiers: ClinVar variation 580226 (VCV000580226.40), dbSNP rs1253151209, ClinGen allele CA353113463.